The following is an entry in ClinVar:

NM_004750.5(CRLF1):c.395G>A (p.Gly132Asp)

Gene: CRLF1 (cytokine receptor like factor 1; minus strand). Cytogenetic location: 19p13.11.
Variant type: single nucleotide variant.
Coding change: c.395G>A on transcript NM_004750.5 (MANE Select); coding-DNA position 395, G replaced by A.
Protein change: p.Gly132Asp; replaces glycine 132 with aspartic acid.
Molecular consequence: missense variant.
Genome position (GRCh38, 1-based): chr19:18,599,567, C>T on the plus strand (G>A on the coding strand, the complement: CRLF1 is on the minus strand). VCF-style: chr19-18599567-C-T. GRCh37 (hg19) VCF-style: chr19-18710377-C-T.
Other names: short protein forms G132D.
Identifiers: ClinVar variation 1975131 (VCV001975131.5), dbSNP rs999971011, ClinGen allele CA306262194.

ClinVar aggregate classification (germline): Uncertain significance (1 of 4 stars; one submission).

Allele frequency attached by ClinVar (database versions not stated): gnomAD exomes below 0.00001.
gnomAD v4.1: 1 of 1,612,332 alleles (0.000062%); highest among the groups gnomAD compares: Non-Finnish European, 0.000085%; no homozygotes.

Submission:

Labcorp Genetics (formerly Invitae), Labcorp
Classification: Uncertain significance. Last evaluated: 2022-05-15. Review status: criteria provided, single submitter. Criteria: Invitae Variant Classification Sherloc (09022015). Collection method: clinical testing. Allele origin: germline.
Comment: In summary, the available evidence is currently insufficient to determine the role of this variant in disease. Therefore, it has been classified as a Variant of Uncertain Significance. Algorithms developed to predict the effect of missense changes on protein structure and function (SIFT, PolyPhen-2, Align-GVGD) all suggest that this variant is likely to be disruptive. This variant has not been reported in the literature in individuals affected with CRLF1-related conditions. This variant is not present in population databases (gnomAD no frequency). This sequence change replaces glycine, which is neutral and non-polar, with aspartic acid, which is acidic and polar, at codon 132 of the CRLF1 protein (p.Gly132Asp).